The following is an entry in ClinVar:

NM_000143.4(FH):c.1365G>A (p.Leu455=)

Gene: FH (fumarate hydratase; minus strand). Cytogenetic location: 1q43.
Variant type: single nucleotide variant.
Coding change: c.1365G>A on transcript NM_000143.4 (MANE Select); coding-DNA position 1365, G replaced by A.
Protein change: p.Leu455=; no amino-acid change (leucine 455 retained).
Molecular consequence: synonymous variant.
Genome position (GRCh38, 1-based): chr1:241,500,462, C>T on the plus strand (G>A on the coding strand, the complement: FH is on the minus strand). VCF-style: chr1-241500462-C-T. GRCh37 (hg19) VCF-style: chr1-241663762-C-T.
Identifiers: ClinVar variation 3773045 (VCV003773045.2).

ClinVar aggregate classification (germline): Benign/Likely benign. Review status: criteria provided, multiple submitters, no conflicts (2 of 4 stars). 2 submissions from 2 submitters: Benign (1); Likely benign (1). Last evaluated 2025-12-29.

Conditions:
Hereditary leiomyomatosis and renal cell cancer. Also called: MULTIPLE CUTANEOUS AND UTERINE LEIOMYOMATA 1, WITH OR WITHOUT RENAL CELL CARCINOMA; LEIOMYOMA, MULTIPLE CUTANEOUS; FH tumor predisposition syndrome; Reed syndrome; Multiple cutaneous and uterine leiomyomatosis; Cutaneous leiomyomata with uterine leiomyomata. Identifiers: Orphanet 523, MedGen C1708350, MONDO:0007888, OMIM 150800, HP:0007437. Disease mechanism: loss of function.

Submissions (2):

Center for Genomic Medicine, Rigshospitalet, Copenhagen University Hospital
Classification: Likely benign. Last evaluated: 2025-12-29. Review status: criteria provided, single submitter. Criteria: ACMG Guidelines, 2015. Collection method: clinical testing. Allele origin: germline.

Myriad Genetics, Inc.
Classification: Benign for Hereditary leiomyomatosis and renal cell cancer. Last evaluated: 2024-10-21. Review status: criteria provided, single submitter. Criteria: Myriad Autosomal Dominant, Autosomal Recessive and X-Linked Classification Criteria (2023). Collection method: clinical testing. Allele origin: unknown.
Comment: This variant is considered benign. This variant is a silent/synonymous amino acid change and it is not expected to impact splicing.